The following is an entry in ClinVar:

NM_006514.4(SCN10A):c.3083G>A (p.Gly1028Glu)

Genes: SCN10A (sodium voltage-gated channel alpha subunit 10; minus strand), LOC110121288 (VISTA enhancer hs2268; plus strand). Cytogenetic location: 3p22.2.
Variant type: single nucleotide variant.
Coding change: c.3083G>A on transcript NM_006514.4 (MANE Select); coding-DNA position 3083, G replaced by A.
Protein change: p.Gly1028Glu; replaces glycine 1028 with glutamic acid.
Molecular consequence: missense variant.
Genome position (GRCh38, 1-based): chr3:38,726,610, C>T on the plus strand (G>A on the coding strand, the complement: SCN10A is on the minus strand). VCF-style: chr3-38726610-C-T. GRCh37 (hg19) VCF-style: chr3-38768101-C-T.
Other names: c.3083G>A, p.Gly1028Glu (NM_001293306.2); c.2789G>A, p.Gly930Glu (NM_001293307.2); short protein forms G1028E, G930E.
Identifiers: ClinVar variation 3901682 (VCV003901682.1).

ClinVar aggregate classification (germline): Uncertain significance (1 of 4 stars; one submission).

gnomAD v4.1: 1 of 1,582,488 alleles (0.000063%); highest among the groups gnomAD compares: Non-Finnish European, 0.000086%; no homozygotes.

Submission:

GeneDx
Classification: Uncertain significance. Last evaluated: 2024-12-06. Review status: criteria provided, single submitter. Criteria: GeneDx Variant Classification Process June 2021. Collection method: clinical testing. Allele origin: germline. Affected: yes.
Comment: Not observed at significant frequency in large population cohorts (gnomAD); In silico analysis indicates that this missense variant does not alter protein structure/function; Has not been previously published as pathogenic or benign to our knowledge